The following is an entry in ClinVar:

NM_172364.5(CACNA2D4):c.2800A>G (p.Met934Val)

Gene: CACNA2D4 (calcium voltage-gated channel auxiliary subunit alpha2delta 4; minus strand). Cytogenetic location: 12p13.33.
Variant type: single nucleotide variant.
Coding change: c.2800A>G on transcript NM_172364.5 (MANE Select); coding-DNA position 2800, A replaced by G.
Protein change: p.Met934Val; replaces methionine 934 with valine.
Molecular consequence: missense variant.
Genome position (GRCh38, 1-based): chr12:1,801,111, T>C on the plus strand (A>G on the coding strand, the complement: CACNA2D4 is on the minus strand). VCF-style: chr12-1801111-T-C. GRCh37 (hg19) VCF-style: chr12-1910277-T-C.
Other names: short protein forms M934V.
Identifiers: ClinVar variation 962055 (VCV000962055.12), dbSNP rs535130457, ClinGen allele CA6386186.

ClinVar aggregate classification (germline): Uncertain significance. Review status: criteria provided, multiple submitters, no conflicts (2 of 4 stars). 3 submissions from 3 submitters: Uncertain significance (3). Last evaluated 2025-08-04.

Conditions:
Inborn genetic diseases. Identifiers: MedGen C0950123, MeSH D030342.

Allele frequency attached by ClinVar (database versions not stated): TOPMed 0.00002; gnomAD 0.00004 and 0.00005; gnomAD exomes 0.00004 and 0.00009; ExAC 0.00007; 1000 Genomes Project 30x 0.00016; 1000 Genomes Project 0.00020.
gnomAD v4.1: 78 of 1,613,826 alleles (0.0048%); highest among the groups gnomAD compares: South Asian, 0.055%; 1 homozygote.

Submissions (3):

Labcorp Genetics (formerly Invitae), Labcorp
Classification: Uncertain significance. Last evaluated: 2025-08-04. Review status: criteria provided, single submitter. Criteria: Invitae Variant Classification Sherloc (09022015). Collection method: clinical testing. Allele origin: germline.
Comment: This sequence change replaces methionine, which is neutral and non-polar, with valine, which is neutral and non-polar, at codon 934 of the CACNA2D4 protein (p.Met934Val). This variant is present in population databases (rs535130457, gnomAD 0.07%), and has an allele count higher than expected for a pathogenic variant. This variant has not been reported in the literature in individuals affected with CACNA2D4-related conditions. ClinVar contains an entry for this variant (Variation ID: 962055). An algorithm developed to predict the effect of missense changes on protein structure and function (PolyPhen-2) suggests that this variant is likely to be tolerated. In summary, the available evidence is currently insufficient to determine the role of this variant in disease. Therefore, it has been classified as a Variant of Uncertain Significance.

Ambry Genetics
Classification: Uncertain significance for Inborn genetic diseases. Last evaluated: 2024-09-11. Review status: criteria provided, single submitter. Criteria: Ambry Variant Classification Scheme 2023. Collection method: clinical testing. Allele origin: germline.

Blueprint Genetics
Classification: Uncertain significance. Last evaluated: 2024-09-02. Review status: criteria provided, single submitter. Criteria: ACMG Guidelines, 2015. Collection method: clinical testing. Allele origin: germline.